The following is an entry in ClinVar:

NM_174936.4(PCSK9):c.579C>A (p.His193Gln)

Gene: PCSK9 (proprotein convertase subtilisin/kexin type 9; plus strand). Cytogenetic location: 1p32.3.
Variant type: single nucleotide variant.
Coding change: c.579C>A on transcript NM_174936.4 (MANE Select); coding-DNA position 579, C replaced by A.
Protein change: p.His193Gln; replaces histidine 193 with glutamine.
Molecular consequence: missense variant. On other transcripts: non-coding transcript variant (8).
Genome position (GRCh38, 1-based): chr1:55,052,333, C>A. VCF-style: chr1-55052333-C-A. GRCh37 (hg19) VCF-style: chr1-55518006-C-A.
Other names: c.702C>A, p.His234Gln (NM_001407240.1); c.579C>A, p.His193Gln (NM_001407241.1, NM_001407242.1, NM_001407244.1 and 1 more transcripts); c.522C>A, p.His174Gln (NM_001407243.1); c.387C>A, p.His129Gln (NM_001407245.1); c.204C>A, p.His68Gln (NM_001407246.1); short protein forms H129Q, H174Q, H193Q, H234Q, H68Q.
Identifiers: ClinVar variation 3073430 (VCV003073430.3), dbSNP rs2523224136, ClinGen allele CA340473259.

ClinVar aggregate classification (germline): Uncertain significance. Review status: criteria provided, multiple submitters, no conflicts (2 of 4 stars). 3 submissions from 3 submitters: Uncertain significance (3). Last evaluated 2025-03-23.

Conditions:
Cardiovascular phenotype. Identifiers: MedGen CN230736.
Hypercholesterolemia, autosomal dominant, 3 (FHCL3). Also called: Familial Hypercholesterolemia, Autosomal Dominant, 3; PCSK9-Related Familial Hypercholesterolemia, Autosomal Dominant; Familial hypercholesterolemia 3. Identifiers: MedGen C1863551, MONDO:0011369, OMIM 603776.

Allele frequency attached by ClinVar (database versions not stated): gnomAD exomes below 0.00001.

Submissions (3):

Ambry Genetics
Classification: Uncertain significance for Cardiovascular phenotype. Last evaluated: 2025-03-23. Review status: criteria provided, single submitter. Criteria: Ambry Variant Classification Scheme 2023. Collection method: clinical testing. Allele origin: germline.
Comment: The p.H193Q variant (also known as c.579C>A), located in coding exon 4 of the PCSK9 gene, results from a C to A substitution at nucleotide position 579. The histidine at codon 193 is replaced by glutamine, an amino acid with highly similar properties. This amino acid position is conserved. In addition, this alteration is predicted to be deleterious by in silico analysis. Based on the available evidence, the clinical significance of this variant remains unclear.

GeneDx
Classification: Uncertain significance. Last evaluated: 2024-01-23. Review status: criteria provided, single submitter. Criteria: GeneDx Variant Classification Process June 2021. Collection method: clinical testing. Allele origin: germline. Affected: yes.
Comment: Has not been previously published as pathogenic or benign to our knowledge; Not observed at significant frequency in large population cohorts (gnomAD); In silico analysis supports that this missense variant has a deleterious effect on protein structure/function

All of Us Research Program, National Institutes of Health
Classification: Uncertain significance for Hypercholesterolemia, autosomal dominant, 3. Last evaluated: 2023-09-17. Review status: criteria provided, single submitter. Criteria: ACMG Guidelines, 2015. Collection method: clinical testing. Allele origin: germline. Inheritance: Autosomal dominant inheritance. Observed: 1 variant allele, 1 heterozygote.
Comment: This missense variant replaces histidine with glutamine at codon 193 of the PCSK9 protein. Computational prediction suggests that this variant may have a deleterious impact on protein structure and function (internally defined REVEL score threshold >= 0.7, PMID: 27666373). To our knowledge, functional studies have not been reported for this variant. This variant has not been reported in individuals affected with PCSK9-related disorders in the literature. This variant has not been identified in the general population by the Genome Aggregation Database (gnomAD). The available evidence is insufficient to determine the role of this variant in disease conclusively. Therefore, this variant is classified as a Variant of Uncertain Significance.

This study involves interpretation of variants in research participants for the purpose of population health screening. Participant phenotype was not available at the time of variant classification. Additional details can be found in publication PMID: 35346344, PMCID: PMC8962531